The following is an entry in ClinVar:

ClinVar aggregate classification (germline): Uncertain significance (1 of 4 stars; one submission).

Allele frequency attached by ClinVar (database versions not stated): gnomAD exomes below 0.00001; ExAC 0.00001.

Submission:

Labcorp Genetics (formerly Invitae), Labcorp
Classification: Uncertain significance. Last evaluated: 2024-02-24. Review status: criteria provided, single submitter. Criteria: Invitae Variant Classification Sherloc (09022015). Collection method: clinical testing. Allele origin: germline.
Comment: This sequence change replaces isoleucine, which is neutral and non-polar, with valine, which is neutral and non-polar, at codon 242 of the ELOVL1 protein (p.Ile242Val). This variant is present in population databases (rs761384500, gnomAD 0.003%). This variant has not been reported in the literature in individuals affected with ELOVL1-related conditions. ClinVar contains an entry for this variant (Variation ID: 2125482). Advanced modeling of protein sequence and biophysical properties (such as structural, functional, and spatial information, amino acid conservation, physicochemical variation, residue mobility, and thermodynamic stability) performed at Invitae indicates that this missense variant is not expected to disrupt ELOVL1 protein function with a negative predictive value of 80%. In summary, the available evidence is currently insufficient to determine the role of this variant in disease. Therefore, it has been classified as a Variant of Uncertain Significance.

NM_022821.4(ELOVL1):c.724A>G (p.Ile242Val)

Gene: ELOVL1 (ELOVL fatty acid elongase 1; minus strand). Cytogenetic location: 1p34.2.
Variant type: single nucleotide variant.
Coding change: c.724A>G on transcript NM_022821.4 (MANE Select); coding-DNA position 724, A replaced by G.
Protein change: p.Ile242Val; replaces isoleucine 242 with valine.
Molecular consequence: missense variant. On other transcripts: non-coding transcript variant (1).
Genome position (GRCh38, 1-based): chr1:43,364,032, T>C on the plus strand (A>G on the coding strand, the complement: ELOVL1 is on the minus strand). VCF-style: chr1-43364032-T-C. GRCh37 (hg19) VCF-style: chr1-43829703-T-C.
Other names: c.724A>G, p.Ile242Val (NM_001256399.2); c.643A>G, p.Ile215Val (NM_001256401.2); c.481A>G, p.Ile161Val (NM_001256402.2); short protein forms I161V, I215V, I242V.
Identifiers: ClinVar variation 2125482 (VCV002125482.4), dbSNP rs761384500, ClinGen allele CA807532.